The following is an entry in ClinVar:

ClinVar aggregate classification (germline): Uncertain significance (1 of 4 stars; one submission).

Submission:

Ambry Genetics
Classification: Uncertain significance. Last evaluated: 2024-10-02. Review status: criteria provided, single submitter. Criteria: Ambry Variant Classification Scheme 2023. Collection method: clinical testing. Allele origin: germline.
Comment: The p.L235M variant (also known as c.703T>A), located in coding exon 6 of the RAD51B gene, results from a T to A substitution at nucleotide position 703. The leucine at codon 235 is replaced by methionine, an amino acid with highly similar properties. This amino acid position is conserved. In addition, the in silico prediction for this alteration is inconclusive. Based on the available evidence, the clinical significance of this variant remains unclear.

NM_133510.4(RAD51B):c.703T>A (p.Leu235Met)

Gene: RAD51B (RAD51 paralog B; plus strand). Cytogenetic location: 14q24.1.
Variant type: single nucleotide variant.
Coding change: c.703T>A on transcript NM_133510.4 (MANE Select); coding-DNA position 703, T replaced by A.
Protein change: p.Leu235Met; replaces leucine 235 with methionine.
Molecular consequence: missense variant.
Genome position (GRCh38, 1-based): chr14:67,887,151, T>A. VCF-style: chr14-67887151-T-A. GRCh37 (hg19) VCF-style: chr14-68353868-T-A.
Other names: c.703T>A, p.Leu235Met (NM_001321809.2, NM_001321810.2, NM_001321812.1 and 6 more transcripts); c.589T>A, p.Leu197Met (NM_001321815.1); c.346T>A, p.Leu116Met (NM_001321817.2); short protein forms L197M, L235M, L116M.
Identifiers: ClinVar variation 3429610 (VCV003429610.1).
Genomic context (GRCh38, chr14:67,887,151, plus strand): 5'-GTGGTCAGAAAGGAGTTTGATGCACAACTTCAAGGCAATCTCAAAGAAAGAAACAAGTTC[T>A]TGGCAAGAGAGGCATCCTCCTTGAAGTATTTGGCTGAGGAGTTTTCAATCCCAGTAAGTT-3'
Protein context (NP_598194.1, residues 225-245): QGNLKERNKF[Leu235Met]AREASSLKYL